The following is an entry in ClinVar:

ClinVar aggregate classification (germline): Likely pathogenic (0 of 4 stars; one submission).

Conditions:
Atypical hemolytic-uremic syndrome. Identifiers: Orphanet 2134, MedGen C2931788, MONDO:0016244.

Submission:

Sydney Genome Diagnostics, Children's Hospital Westmead
Classification: Likely pathogenic for Atypical hemolytic-uremic syndrome. Last evaluated: 2018-10-24. Review status: no assertion criteria provided. Collection method: clinical testing. Allele origin: unknown. Affected: yes. Observed: 1 variant allele, 1 heterozygote.
Comment: This frameshifting variant is predicted to create a premature stop codon 80 amino acids downstream (p.Phe731Leufs*81), and may result in a null allele due to nonsense-mediated mRNA decay. To our knowledge, this variant has not been previously reported. However, other SMARCAL1 nonsense mutations downstream have been reported in compound heterozygote with another pathogenic SMARCAL1 variant in patients with Schimke immunoosseous dysplasia (Boerkoel et al 2002 Nat Genet 30:215-220), suggesting that the c.2193del variant is likely to be pathogenic.

NM_014140.4(SMARCAL1):c.2193del (p.Phe731fs)

Gene: SMARCAL1 (SNF2 related chromatin remodeling annealing helicase 1; plus strand). Cytogenetic location: 2q35.
Variant type: Deletion.
Coding change: c.2193del on transcript NM_014140.4 (MANE Select); coding-DNA position 2193, one base deleted (T; older notation c.2193delT).
Protein change: p.Phe731fs; shifts the reading frame from phenylalanine 731.
Molecular consequence: frameshift variant.
Genome position (GRCh38, 1-based): chr2:216,467,995, T deleted; the last of 3 consecutive T bases (chr2:216,467,993-216,467,995); deleting any one gives the same sequence. VCF-style (leftmost placement, unchanged base first): chr2-216467992-AT-A. GRCh37 (hg19) VCF-style: chr2-217332715-AT-A.
Other names: c.2193del, p.Phe731fs (NM_001127207.2); short protein forms F731fs.
Identifiers: ClinVar variation 988239 (VCV000988239.1), dbSNP rs1694866812, ClinGen allele CA1327844689.